The following is an entry in ClinVar:

ClinVar aggregate classification (germline): Pathogenic (1 of 4 stars; one submission).

Submission:

Labcorp Genetics (formerly Invitae), Labcorp
Classification: Pathogenic. Last evaluated: 2025-01-11. Review status: criteria provided, single submitter. Criteria: Invitae Variant Classification Sherloc (09022015). Collection method: clinical testing. Allele origin: germline.
Comment: This sequence change creates a premature translational stop signal (p.Glu63*) in the ADCY3 gene. It is expected to result in an absent or disrupted protein product. Loss-of-function variants in ADCY3 are known to be pathogenic (PMID: 29311637). This variant is not present in population databases (gnomAD no frequency). This variant has not been reported in the literature in individuals affected with ADCY3-related conditions. For these reasons, this variant has been classified as Pathogenic.

Literature cited by the submitters: PubMed 29311637.

NM_004036.5(ADCY3):c.187G>T (p.Glu63Ter)

Gene: ADCY3 (adenylate cyclase 3; minus strand). Cytogenetic location: 2p23.3.
Variant type: single nucleotide variant.
Coding change: c.187G>T on transcript NM_004036.5 (MANE Select); coding-DNA position 187, G replaced by T.
Protein change: p.Glu63Ter; replaces glutamic acid 63 with a stop codon.
Molecular consequence: nonsense.
Genome position (GRCh38, 1-based): chr2:24,918,801, C>A on the plus strand (G>T on the coding strand, the complement: ADCY3 is on the minus strand). VCF-style: chr2-24918801-C-A. GRCh37 (hg19) VCF-style: chr2-25141670-C-A.
Other names: c.187G>T, p.Glu63Ter (NM_001320613.2, NM_001377128.1, NM_001377129.1 and 2 more transcripts); short protein forms E63*.
Identifiers: ClinVar variation 3728805 (VCV003728805.2).